The following is an entry in ClinVar:

NM_001127222.2(CACNA1A):c.6368G>A (p.Arg2123His)

Gene: CACNA1A (calcium voltage-gated channel subunit alpha1 A; minus strand). Cytogenetic location: 19p13.13.
Variant type: single nucleotide variant.
Coding change: c.6368G>A on transcript NM_001127222.2 (MANE Select); coding-DNA position 6368, G replaced by A.
Protein change: p.Arg2123His; replaces arginine 2123 with histidine.
Molecular consequence: missense variant.
Genome position (GRCh38, 1-based): chr19:13,209,470, C>T on the plus strand (G>A on the coding strand, the complement: CACNA1A is on the minus strand). VCF-style: chr19-13209470-C-T. GRCh37 (hg19) VCF-style: chr19-13320284-C-T.
Other names: c.6386G>A, p.Arg2129His (NM_000068.4, NM_023035.3); c.6371G>A, p.Arg2124His (NM_001127221.2); c.6377G>A, p.Arg2126His (NM_001174080.2); short protein forms R2123H, R2124H, R2126H, R2129H.
Identifiers: ClinVar variation 1310609 (VCV001310609.9), dbSNP rs1220294928, ClinGen allele CA404331093.

ClinVar aggregate classification (germline): Uncertain significance. Review status: criteria provided, multiple submitters, no conflicts (2 of 4 stars). 2 submissions from 2 submitters: Uncertain significance (2). Last evaluated 2021-04-21.

Conditions:
Episodic ataxia type 2 (EA2). Also called: ATAXIA, EPISODIC, WITH NYSTAGMUS; ATAXIA, FAMILIAL PAROXYSMAL; CEREBELLAR ATAXIA, PAROXYSMAL, ACETAZOLAMIDE-RESPONSIVE; CEREBELLOPATHY, HEREDITARY PAROXYSMAL; EPISODIC ATAXIA, NYSTAGMUS-ASSOCIATED; ACETAZOLAMIDE-RESPONSIVE HEREDITARY PAROXYSMAL CEREBELLAR ATAXIA. Identifiers: Orphanet 97, MedGen C1720416, MONDO:0007163, OMIM 108500.
Developmental and epileptic encephalopathy, 42 (DEE42A). Also called: Epileptic encephalopathy, early infantile, 42; DEVELOPMENTAL AND EPILEPTIC ENCEPHALOPATHY 42A; EPILEPTIC ENCEPHALOPATHY, EARLY INFANTILE, 42A. Identifiers: MedGen C4310716, MONDO:0014917, OMIM 617106.

gnomAD v4.1: 6 of 1,351,978 alleles (0.00044%); highest among the groups gnomAD compares: East Asian, 0.0028%; no homozygotes.

Submissions (2):

Labcorp Genetics (formerly Invitae), Labcorp
Classification: Uncertain significance for Developmental and epileptic encephalopathy, 42; Episodic ataxia type 2. Last evaluated: 2021-04-21. Review status: criteria provided, single submitter. Criteria: Invitae Variant Classification Sherloc (09022015). Collection method: clinical testing. Allele origin: germline.
Comment: In summary, the available evidence is currently insufficient to determine the role of this variant in disease. Therefore, it has been classified as a Variant of Uncertain Significance. Advanced modeling of protein sequence and biophysical properties (such as structural, functional, and spatial information, amino acid conservation, physicochemical variation, residue mobility, and thermodynamic stability) performed at Invitae indicates that this missense variant is not expected to disrupt CACNA1A protein function. This variant has not been reported in the literature in individuals with CACNA1A-related conditions. The frequency data for this variant in the population databases is considered unreliable, as metrics indicate insufficient coverage at this position in the ExAC database. This sequence change replaces arginine with histidine at codon 2124 of the CACNA1A protein (p.Arg2124His). The arginine residue is highly conserved and there is a small physicochemical difference between arginine and histidine.

GeneDx
Classification: Uncertain significance. Last evaluated: 2019-12-26. Review status: criteria provided, single submitter. Criteria: GeneDx Variant Classification Process June 2021. Collection method: clinical testing. Allele origin: germline. Affected: yes.
Comment: Not observed in large population cohorts (Lek et al., 2016); In silico analysis, which includes protein predictors and evolutionary conservation, supports a deleterious effect; Has not been previously published as pathogenic or benign to our knowledge